The following is an entry in ClinVar:

ClinVar aggregate classification (germline): Uncertain significance (1 of 4 stars; one submission).

Allele frequency attached by ClinVar (database versions not stated): ExAC 0.00001; gnomAD exomes 0.00001.
gnomAD v4.1: 3 of 1,614,048 alleles (0.00019%); highest among the groups gnomAD compares: South Asian, 0.0033%; no homozygotes.

Submission:

Labcorp Genetics (formerly Invitae), Labcorp
Classification: Uncertain significance. Last evaluated: 2023-04-10. Review status: criteria provided, single submitter. Criteria: Invitae Variant Classification Sherloc (09022015). Collection method: clinical testing. Allele origin: germline.
Comment: This variant has not been reported in the literature in individuals affected with PRPF3-related conditions. This sequence change replaces serine, which is neutral and polar, with asparagine, which is neutral and polar, at codon 552 of the PRPF3 protein (p.Ser552Asn). This variant is present in population databases (rs782406269, gnomAD 0.003%). Advanced modeling of protein sequence and biophysical properties (such as structural, functional, and spatial information, amino acid conservation, physicochemical variation, residue mobility, and thermodynamic stability) performed at Invitae indicates that this missense variant is not expected to disrupt PRPF3 protein function. In summary, the available evidence is currently insufficient to determine the role of this variant in disease. Therefore, it has been classified as a Variant of Uncertain Significance.

NM_004698.4(PRPF3):c.1655G>A (p.Ser552Asn)

Gene: PRPF3 (pre-mRNA processing factor 3; plus strand). Cytogenetic location: 1q21.2.
Variant type: single nucleotide variant.
Coding change: c.1655G>A on transcript NM_004698.4 (MANE Select); coding-DNA position 1655, G replaced by A.
Protein change: p.Ser552Asn; replaces serine 552 with asparagine.
Molecular consequence: missense variant. On other transcripts: non-coding transcript variant (4).
Genome position (GRCh38, 1-based): chr1:150,346,032, G>A. VCF-style: chr1-150346032-G-A. GRCh37 (hg19) VCF-style: chr1-150318508-G-A.
Other names: c.1250G>A, p.Ser417Asn (NM_001350529.1); short protein forms S417N, S552N.
Identifiers: ClinVar variation 2970375 (VCV002970375.3), dbSNP rs782406269, ClinGen allele CA1075678.